The following is an entry in ClinVar:

NM_001440.4(EXTL3):c.838C>T (p.Arg280Cys)

Gene: EXTL3 (exostosin like glycosyltransferase 3; plus strand). Cytogenetic location: 8p21.1.
Variant type: single nucleotide variant.
Coding change: c.838C>T on transcript NM_001440.4 (MANE Select); coding-DNA position 838, C replaced by T.
Protein change: p.Arg280Cys; replaces arginine 280 with cysteine.
Molecular consequence: missense variant.
Genome position (GRCh38, 1-based): chr8:28,716,897, C>T. VCF-style: chr8-28716897-C-T. GRCh37 (hg19) VCF-style: chr8-28574414-C-T.
Other names: c.838C>T (NM_001440.2); short protein forms R280C.
Identifiers: ClinVar variation 1418439 (VCV001418439.5), dbSNP rs145734714, ClinGen allele CA4696073.

ClinVar aggregate classification (germline): Uncertain significance. Review status: criteria provided, multiple submitters, no conflicts (2 of 4 stars). 2 submissions from 2 submitters: Uncertain significance (2). Last evaluated 2025-08-07.

Conditions:
Inborn genetic diseases. Identifiers: MedGen C0950123, MeSH D030342.

Allele frequency attached by ClinVar (database versions not stated): ESP Exome Variant Server 0.00038; gnomAD 0.00012 and 0.00013; TOPMed 0.00013.

Submissions (2):

Ambry Genetics
Classification: Uncertain significance for Inborn genetic diseases. Last evaluated: 2025-08-07. Review status: criteria provided, single submitter. Criteria: Ambry Variant Classification Scheme 2023. Collection method: clinical testing. Allele origin: germline.

Labcorp Genetics (formerly Invitae), Labcorp
Classification: Uncertain significance. Last evaluated: 2022-08-23. Review status: criteria provided, single submitter. Criteria: Invitae Variant Classification Sherloc (09022015). Collection method: clinical testing. Allele origin: germline.
Comment: This sequence change replaces arginine, which is basic and polar, with cysteine, which is neutral and slightly polar, at codon 280 of the EXTL3 protein (p.Arg280Cys). This variant is present in population databases (rs145734714, gnomAD 0.03%). This variant has not been reported in the literature in individuals affected with EXTL3-related conditions. ClinVar contains an entry for this variant (Variation ID: 1418439). Algorithms developed to predict the effect of missense changes on protein structure and function are either unavailable or do not agree on the potential impact of this missense change (SIFT: "Deleterious"; PolyPhen-2: "Probably Damaging"; Align-GVGD: "Class C0"). In summary, the available evidence is currently insufficient to determine the role of this variant in disease. Therefore, it has been classified as a Variant of Uncertain Significance.